The following is an entry in ClinVar:

NM_012309.5(SHANK2):c.4243C>A (p.Leu1415Met)

Gene: SHANK2 (SH3 and multiple ankyrin repeat domains 2; minus strand). Cytogenetic location: 11q13.3.
Variant type: single nucleotide variant.
Coding change: c.4243C>A on transcript NM_012309.5 (MANE Select); coding-DNA position 4243, C replaced by A.
Protein change: p.Leu1415Met; replaces leucine 1415 with methionine.
Molecular consequence: missense variant.
Genome position (GRCh38, 1-based): chr11:70,486,050, G>T on the plus strand (C>A on the coding strand, the complement: SHANK2 is on the minus strand). VCF-style: chr11-70486050-G-T. GRCh37 (hg19) VCF-style: chr11-70332155-G-T.
Other names: c.3106C>A, p.Leu1036Met (NM_001379226.1); c.2479C>A, p.Leu827Met (NM_133266.5); short protein forms L1036M, L1415M, L827M.
Identifiers: ClinVar variation 3050502 (VCV003050502.1), dbSNP rs781915318, ClinGen allele CA381683313.

ClinVar aggregate classification (germline): Likely benign (1 of 4 stars; one submission).

Conditions:
SHANK2-related disorder.

Submission:

PreventionGenetics, part of Exact Sciences
Classification: Likely benign for SHANK2-related condition. Last evaluated: 2019-07-10. Review status: criteria provided, single submitter. Criteria: ACMG Guidelines, 2015. Collection method: clinical testing. Allele origin: germline.
Comment: This variant is classified as likely benign based on ACMG/AMP sequence variant interpretation guidelines (Richards et al. 2015 PMID: 25741868, with internal and published modifications).